The following is an entry in ClinVar:

ClinVar aggregate classification (germline): Pathogenic (1 of 4 stars; one submission).

Conditions:
Curry-Hall syndrome (WAD). Also called: WEYERS ACRODENTAL DYSOSTOSIS. Identifiers: Orphanet 952, MedGen C0457013, MONDO:0008673, OMIM 193530.
Ellis-van Creveld syndrome (EVC). Also called: Chondroectodermal dysplasia; MESOECTODERMAL DYSPLASIA; EVC-Related Ellis-van Creveld Syndrome; EVC2-Related Ellis-van Creveld Syndrome. Identifiers: Orphanet 289, MedGen C0013903, MONDO:0009162, OMIM 225500.

Submission:

Labcorp Genetics (formerly Invitae), Labcorp
Classification: Pathogenic for Curry-Hall syndrome; Ellis-van Creveld syndrome. Last evaluated: 2020-10-14. Review status: criteria provided, single submitter. Criteria: Invitae Variant Classification Sherloc (09022015). Collection method: clinical testing. Allele origin: germline.
Comment: Algorithms developed to predict the effect of sequence changes on RNA splicing suggest that this variant may create or strengthen a splice site, but this prediction has not been confirmed by published transcriptional studies. Loss-of-function variants in EVC2 are known to be pathogenic (PMID: 17024374, 19810119, 19876929). For these reasons, this variant has been classified as Pathogenic. This sequence change creates a premature translational stop signal (p.Tyr586Valfs*5) in the EVC2 gene. It is expected to result in an absent or disrupted protein product. This variant is not present in population databases (ExAC no frequency). This variant has not been reported in the literature in individuals with EVC2-related conditions.

Literature cited by the submitters: PubMed 17024374; PubMed 19810119; PubMed 19876929.

NM_147127.5(EVC2):c.1755dup (p.Tyr586fs)

Gene: EVC2 (EvC ciliary complex subunit 2; minus strand). Cytogenetic location: 4p16.2.
Variant type: Duplication.
Coding change: c.1755dup on transcript NM_147127.5 (MANE Select); coding-DNA position 1755, one base duplicated (G; older notation c.1755dupG).
Protein change: p.Tyr586fs; shifts the reading frame from tyrosine 586.
Molecular consequence: frameshift variant.
Genome position (GRCh38, 1-based): chr4:5,628,690, C duplicated on the plus strand (G on the coding strand, the reverse complement: EVC2 is on the minus strand); the first of 2 consecutive C bases (chr4:5,628,690-5,628,691); duplicating either gives the same sequence. VCF-style (leftmost placement, unchanged base first): chr4-5628689-A-AC. GRCh37 (hg19) VCF-style: chr4-5630416-A-AC.
Other names: c.1515dup, p.Tyr506fs (NM_001166136.2); short protein forms Y506fs, Y586fs.
Identifiers: ClinVar variation 1076026 (VCV001076026.8), dbSNP rs2108847232, ClinGen allele CA2499217294.